The following is an entry in ClinVar:

ClinVar aggregate classification (germline): Conflicting classifications of pathogenicity. Review status: criteria provided, conflicting classifications (1 of 4 stars). 3 submissions from 3 submitters: Likely pathogenic (2); Uncertain significance (1). Last evaluated 2026-05-31.

Conditions:
SLC45A2-related disorder. Also called: SLC45A2-related condition.
Inborn genetic diseases. Identifiers: MedGen C0950123, MeSH D030342.

Allele frequency attached by ClinVar (database versions not stated): gnomAD exomes 0.00001; TOPMed 0.00001; ExAC 0.00001; gnomAD 0.00001.
gnomAD v4.1: 24 of 1,614,020 alleles (0.0015%); highest among the groups gnomAD compares: Non-Finnish European, 0.0018%; no homozygotes.

Submissions (3):

PreventionGenetics, part of Exact Sciences
Classification: Likely pathogenic for SLC45A2-related condition. Last evaluated: 2026-05-31. Review status: criteria provided, single submitter. Criteria: ACMG Guidelines, 2015. Collection method: clinical testing. Allele origin: germline.
Comment: The SLC45A2 c.497A>G variant is predicted to result in the amino acid substitution p.Tyr166Cys. To our knowledge, this variant has not been reported in the literature. This variant is present in 0.0015% of alleles in individuals of European (Non-Finnish) descent in gnomAD. This variant is interpreted as likely pathogenic.

Labcorp Genetics (formerly Invitae), Labcorp
Classification: Likely pathogenic. Last evaluated: 2024-04-29. Review status: criteria provided, single submitter. Criteria: Invitae Variant Classification Sherloc (09022015). Collection method: clinical testing. Allele origin: germline.
Comment: This sequence change replaces tyrosine, which is neutral and polar, with cysteine, which is neutral and slightly polar, at codon 166 of the SLC45A2 protein (p.Tyr166Cys). This variant is present in population databases (rs752655063, gnomAD 0.002%). This missense change has been observed in individual(s) with clinical features of oculocutaneous albinism (Invitae). In at least one individual the data is consistent with being in trans (on the opposite chromosome) from a pathogenic variant. ClinVar contains an entry for this variant (Variation ID: 2292516). Advanced modeling of protein sequence and biophysical properties (such as structural, functional, and spatial information, amino acid conservation, physicochemical variation, residue mobility, and thermodynamic stability) performed at Invitae indicates that this missense variant is expected to disrupt SLC45A2 protein function with a positive predictive value of 80%. In summary, the currently available evidence indicates that the variant is pathogenic, but additional data are needed to prove that conclusively. Therefore, this variant has been classified as Likely Pathogenic.

Ambry Genetics
Classification: Uncertain significance for Inborn genetic diseases. Last evaluated: 2022-05-27. Review status: criteria provided, single submitter. Criteria: Ambry Variant Classification Scheme 2023. Collection method: clinical testing. Allele origin: germline.

NM_016180.5(SLC45A2):c.497A>G (p.Tyr166Cys)

Gene: SLC45A2 (solute carrier family 45 member 2; minus strand). Cytogenetic location: 5p13.2.
Variant type: single nucleotide variant.
Coding change: c.497A>G on transcript NM_016180.5 (MANE Select); coding-DNA position 497, A replaced by G.
Protein change: p.Tyr166Cys; replaces tyrosine 166 with cysteine.
Molecular consequence: missense variant.
Genome position (GRCh38, 1-based): chr5:33,982,301, T>C on the plus strand (A>G on the coding strand, the complement: SLC45A2 is on the minus strand). VCF-style: chr5-33982301-T-C. GRCh37 (hg19) VCF-style: chr5-33982406-T-C.
Other names: c.497A>G, p.Tyr166Cys (NM_001012509.4, NM_001297417.4); c.497A>G (NM_016180.4); short protein forms Y166C.
Identifiers: ClinVar variation 2292516 (VCV002292516.7), dbSNP rs752655063, ClinGen allele CA3225781.